The following is an entry in ClinVar:

ClinVar aggregate classification (germline): Uncertain significance (1 of 4 stars; one submission).

Submission:

Laboratory for Molecular Medicine, Mass General Brigham Personalized Medicine
Classification: Uncertain significance. Last evaluated: 2015-02-05. Review status: criteria provided, single submitter. Criteria: LMM Criteria. Collection method: clinical testing. Allele origin: germline. Observed: 1 variant allele.
Comment: The p.His244Cys variant in CASQ2 has not been previously reported in individuals with cardiomyopathy or in large population studies. The p.His244Cys variant in CASQ2 is caused by two adjacent nucleotide changes (c.730C>T and c.731A>G) that are present in cis (on the same chromosome). The c.730C>T and c.731A>G nucleotid e variants have been independently identified in 0.27% (25/9422) and 9.35% (876/ 9370) of African chromosomes by the Exome Aggregation Consortium, respectively ( ExAC). Computational prediction tools and conser vation analysis do not provide strong support for or against an impact to the pr otein. In summary, the clinical significance of the p.His244Cys variant is uncer tain.

NM_001232.3(CASQ2):c.[730C>T;731A>G]

Variant type: Haplotype.
Identifiers: ClinVar variation 228471 (VCV000228471.5).